The following is an entry in ClinVar:

NM_032638.5(GATA2):c.*200C>T

Gene: GATA2 (GATA binding protein 2; minus strand). Cytogenetic location: 3q21.3.
Variant type: single nucleotide variant.
Coding change: c.*200C>T on transcript NM_032638.5 (MANE Select); 200 bases downstream of the stop codon, C replaced by T.
Molecular consequence: 3 prime UTR variant.
Genome position (GRCh38, 1-based): chr3:128,480,819, G>A on the plus strand (C>T on the coding strand, the complement: GATA2 is on the minus strand). VCF-style: chr3-128480819-G-A. GRCh37 (hg19) VCF-style: chr3-128199662-G-A.
Other names: c.*200C>T (NM_001145661.2, NM_001145662.1).
Identifiers: ClinVar variation 343127 (VCV000343127.7), dbSNP rs10934857, ClinGen allele CA10617157.

ClinVar aggregate classification (germline): Benign. Review status: criteria provided, multiple submitters, no conflicts (2 of 4 stars). 3 submissions from 3 submitters: Benign (3). Last evaluated 2018-09-14.

Conditions:
Deafness-lymphedema-leukemia syndrome. Also called: Lymphedema, primary, with myelodysplasia; Emberger syndrome. Identifiers: Orphanet 3226, MedGen C3279664, MONDO:0013540, OMIM 614038.

Allele frequency attached by ClinVar (database versions not stated): TOPMed 0.22815; gnomAD exomes 0.22918; 1000 Genomes Project 0.17452; 1000 Genomes Project 30x 0.17755; gnomAD 0.22367 and 0.22831.
gnomAD v4.1: 133,047 of 582,460 alleles (23%); highest among the groups gnomAD compares: Middle Eastern, 27%; 16,277 homozygotes.

Submissions (3):

GeneDx
Classification: Benign. Last evaluated: 2018-09-14. Review status: criteria provided, single submitter. Criteria: GeneDx Variant Classification Process June 2021. Collection method: clinical testing. Allele origin: germline. Affected: yes.

Illumina Laboratory Services, Illumina
Classification: Benign for Deafness-lymphedema-leukemia syndrome. Last evaluated: 2018-01-13. Review status: criteria provided, single submitter. Criteria: ICSL Variant Classification Criteria 13 December 2019. Collection method: clinical testing. Allele origin: germline.
Comment: This variant was observed in the ICSL laboratory as part of a predisposition screen in an ostensibly healthy population. It had not been previously curated by ICSL or reported in the Human Gene Mutation Database (HGMD: prior to June 1st, 2018), and was therefore a candidate for classification through an automated scoring system. Utilizing variant allele frequency, disease prevalence and penetrance estimates, and inheritance mode, an automated score was calculated to assess if this variant is too frequent to cause the disease. Based on the score and internal cut-off values, a variant classified as benign is not then subjected to further curation. The score for this variant resulted in a classification of benign for this disease.

Breakthrough Genomics
Classification: Benign. Review status: criteria provided, single submitter. Criteria: ACMG Guidelines, 2015. Collection method: not provided. Allele origin: germline. Inheritance: Autosomal dominant inheritance. Affected: yes.